The following is an entry in ClinVar:

ClinVar aggregate classification (germline): Benign/Likely benign. Review status: criteria provided, multiple submitters, no conflicts (2 of 4 stars). 4 submissions from 4 submitters: Benign (2); Likely benign (1). 1 of the submissions does not count toward it. Last evaluated 2026-03-24.

Conditions:
EPCAM-related disorder. Also called: EPCAM-related condition.

Allele frequency attached by ClinVar (database versions not stated): gnomAD 0.00006 and 0.00010; TOPMed 0.00006; ExAC 0.00023; gnomAD exomes 0.00031.
gnomAD v4.1: 265 of 1,612,644 alleles (0.016%); highest among the groups gnomAD compares: South Asian, 0.21%; 3 homozygotes.

Submissions (4):

Dasa
Classification: Benign. Last evaluated: 2026-03-24. Review status: criteria provided, single submitter. Criteria: DASA Assertion Criteria. Collection method: clinical testing. Allele origin: germline.
Comment: NM_002354.3(EPCAM):c.106G>A (p.Val36Ile) is interpreted as benign based on a combination of available evidence, including population frequency, observations in unaffected individuals, and in silico models suggesting no deleterious effect. Based on the available data, this variant is classified as benign.

Blueprint Genetics
Classification: Likely benign. Last evaluated: 2024-10-01. Review status: criteria provided, single submitter. Criteria: ACMG Guidelines, 2015. Collection method: clinical testing. Allele origin: germline.

Labcorp Genetics (formerly Invitae), Labcorp
Classification: Benign. Last evaluated: 2024-07-29. Review status: criteria provided, single submitter. Criteria: Invitae Variant Classification Sherloc (09022015). Collection method: clinical testing. Allele origin: germline.

PreventionGenetics, part of Exact Sciences
Classification: Likely benign for EPCAM-related condition. Last evaluated: 2019-10-15. Review status: no assertion criteria provided. Collection method: clinical testing. Allele origin: germline. Not counted in ClinVar's aggregate classification.
Comment: This variant is classified as likely benign based on ACMG/AMP sequence variant interpretation guidelines (Richards et al. 2015 PMID: 25741868, with internal and published modifications).

NM_002354.3(EPCAM):c.106G>A (p.Val36Ile)

Gene: EPCAM (epithelial cell adhesion molecule; plus strand). Cytogenetic location: 2p21.
Variant type: single nucleotide variant.
Coding change: c.106G>A on transcript NM_002354.3 (MANE Select); coding-DNA position 106, G replaced by A.
Protein change: p.Val36Ile; replaces valine 36 with isoleucine.
Molecular consequence: missense variant.
Genome position (GRCh38, 1-based): chr2:47,373,492, G>A. VCF-style: chr2-47373492-G-A. GRCh37 (hg19) VCF-style: chr2-47600631-G-A.
Other names: short protein forms V36I.
Identifiers: ClinVar variation 220544 (VCV000220544.15), dbSNP rs771315207, ClinGen allele CA350700.